The following is an entry in ClinVar:

NM_006493.4(CLN5):c.391T>C (p.Tyr131His)

Gene: CLN5 (CLN5 lysosomal BMP synthase; plus strand). Cytogenetic location: 13q22.3.
Variant type: single nucleotide variant.
Coding change: c.391T>C on transcript NM_006493.4 (MANE Select); coding-DNA position 391, T replaced by C.
Protein change: p.Tyr131His; replaces tyrosine 131 with histidine.
Molecular consequence: missense variant.
Genome position (GRCh38, 1-based): chr13:76,995,953, T>C. VCF-style: chr13-76995953-T-C. GRCh37 (hg19) VCF-style: chr13-77570088-T-C.
Other names: c.391T>C, p.Tyr131His (NM_001366624.2); short protein forms Y180H, Y131H.
Identifiers: ClinVar variation 2046678 (VCV002046678.4), dbSNP rs2501139633, ClinGen allele CA388308780.

ClinVar aggregate classification (germline): Uncertain significance (1 of 4 stars; one submission).

Conditions:
Neuronal ceroid lipofuscinosis. Also called: Neuronal Ceroid Lipofuscinoses. Identifiers: Orphanet 216, Orphanet 79263, MedGen C0027877, MONDO:0016295. Disease mechanism: loss of function.

Submission:

Labcorp Genetics (formerly Invitae), Labcorp
Classification: Uncertain significance for Neuronal ceroid lipofuscinosis. Last evaluated: 2022-07-06. Review status: criteria provided, single submitter. Criteria: Invitae Variant Classification Sherloc (09022015). Collection method: clinical testing. Allele origin: germline.
Comment: This sequence change replaces tyrosine, which is neutral and polar, with histidine, which is basic and polar, at codon 180 of the CLN5 protein (p.Tyr180His). This variant is not present in population databases (gnomAD no frequency). This variant has not been reported in the literature in individuals affected with CLN5-related conditions. Algorithms developed to predict the effect of missense changes on protein structure and function (SIFT, PolyPhen-2, Align-GVGD) all suggest that this variant is likely to be disruptive. In summary, the available evidence is currently insufficient to determine the role of this variant in disease. Therefore, it has been classified as a Variant of Uncertain Significance.